The following is an entry in ClinVar:

ClinVar aggregate classification (germline): Uncertain significance (1 of 4 stars; one submission).

Conditions:
Cardiovascular phenotype. Identifiers: MedGen CN230736.

Submission:

Ambry Genetics
Classification: Uncertain significance for Cardiovascular phenotype. Last evaluated: 2026-09-08. Review status: criteria provided, single submitter. Criteria: Ambry Variant Classification Scheme 2023. Collection method: clinical testing. Allele origin: germline.
Comment: The c.824_828delATGCAinsGAC variant, located in coding exon 7 of the LAMA4 gene, results from the deletion of 5 nucleotides and insertion of 3 nucleotides causing a translational frameshift with a predicted alternate stop codon (p.D275Gfs*27). This variant is expected to result in protein truncation or nonsense-mediated mRNA decay. However, loss of function has not been established as a mechanism of disease. Based on the available evidence, the clinical significance of this variant remains unclear.

NM_001105206.3(LAMA4):c.845_846del (p.Asp282fs)

Gene: LAMA4 (laminin subunit alpha 4; minus strand). Cytogenetic location: 6q21.
Variant type: Deletion.
Coding change: c.845_846del on transcript NM_001105206.3 (MANE Select); coding-DNA positions 845 to 846, 2 bases deleted (AT; older notation c.845_846delAT).
Protein change: p.Asp282fs; shifts the reading frame from aspartic acid 282.
Molecular consequence: frameshift variant.
Genome position (GRCh38, 1-based): chr6:112,187,570-112,187,571, AT deleted on the plus strand (AT on the coding strand, the reverse complement: LAMA4 is on the minus strand). VCF-style (leftmost placement, unchanged base first): chr6-112187569-CAT-C. GRCh37 (hg19) VCF-style: chr6-112508771-CAT-C.
Other names: c.824_828delATGCAinsGAC (NM_002290.3); c.824_825del, p.Asp275fs (NM_001105207.3, NM_002290.5); short protein forms D275fs, D282fs.
Identifiers: ClinVar variation 5023473 (VCV005023473.1).